The following is an entry in ClinVar:

ClinVar aggregate classification (germline): Uncertain significance (1 of 4 stars; one submission).

Submission:

GeneDx
Classification: Uncertain significance. Last evaluated: 2025-08-08. Review status: criteria provided, single submitter. Criteria: GeneDx Variant Classification Process June 2021. Collection method: clinical testing. Allele origin: germline. Affected: yes.
Comment: In silico analysis supports that this missense variant does not alter protein structure/function; Identified in a patient with keratoglobus (PMID: 34003075); This variant is associated with the following publications: (PMID: 34003075)

NM_001127464.1:c.8847C>G

Gene: ZNF469 (zinc finger protein 469; plus strand).
Variant type: single nucleotide variant.
Identifiers: ClinVar variation 4795372 (VCV004795372.1).